The following is an entry in ClinVar:

ClinVar aggregate classification (germline): Benign. Review status: criteria provided, multiple submitters, no conflicts (2 of 4 stars). 3 submissions from 3 submitters: Benign (2). 1 of the submissions does not count toward it. Last evaluated 2019-12-31.

Conditions:
SEMA3D-related disorder. Also called: SEMA3D-related condition.

Allele frequency attached by ClinVar (database versions not stated): gnomAD exomes 0.00043 and 0.00106; ExAC 0.00137; gnomAD 0.00418 and 0.00452; TOPMed 0.00454; 1000 Genomes Project 0.00459; ESP Exome Variant Server 0.00469; 1000 Genomes Project 30x 0.00547.
gnomAD v4.1: 1,296 of 1,612,584 alleles (0.08%); highest among the groups gnomAD compares: African/African-American, 1.6%; 10 homozygotes.

Submissions (3):

Labcorp Genetics (formerly Invitae), Labcorp
Classification: Benign. Last evaluated: 2019-12-31. Review status: criteria provided, single submitter. Criteria: Invitae Variant Classification Sherloc (09022015). Collection method: clinical testing. Allele origin: germline.

Breakthrough Genomics
Classification: Benign. Review status: criteria provided, single submitter. Criteria: ACMG Guidelines, 2015. Collection method: not provided. Allele origin: germline. Inheritance: Unknown mechanism. Affected: yes.

PreventionGenetics, part of Exact Sciences
Classification: Benign for SEMA3D-related condition. Last evaluated: 2019-04-09. Review status: no assertion criteria provided. Collection method: clinical testing. Allele origin: germline. Not counted in ClinVar's aggregate classification.
Comment: This variant is classified as benign based on ACMG/AMP sequence variant interpretation guidelines (Richards et al. 2015 PMID: 25741868, with internal and published modifications).

NM_001384900.1(SEMA3D):c.1332T>C (p.Asn444=)

Gene: SEMA3D (semaphorin 3D; minus strand). Cytogenetic location: 7q21.11.
Variant type: single nucleotide variant.
Coding change: c.1332T>C on transcript NM_001384900.1 (MANE Select); coding-DNA position 1332, T replaced by C.
Protein change: p.Asn444=; no amino-acid change (asparagine 444 retained).
Molecular consequence: synonymous variant.
Genome position (GRCh38, 1-based): chr7:85,022,473, A>G on the plus strand (T>C on the coding strand, the complement: SEMA3D is on the minus strand). VCF-style: chr7-85022473-A-G. GRCh37 (hg19) VCF-style: chr7-84651789-A-G.
Other names: c.1332T>C, p.Asn444= (NM_001384901.1, NM_001384902.1, NM_001384903.1 and 1 more transcripts).
Identifiers: ClinVar variation 791160 (VCV000791160.7), dbSNP rs35398608, ClinGen allele CA4323463.